The following is an entry in ClinVar:

ClinVar aggregate classification (germline): Likely benign (0 of 4 stars; one submission).

Conditions:
FARSA-related disorder. Also called: FARSA-related condition.

Allele frequency attached by ClinVar (database versions not stated): ExAC 0.00001; gnomAD 0.00002; TOPMed 0.00003; gnomAD exomes 0.00008.
gnomAD v4.1: 115 of 1,613,970 alleles (0.0071%); highest among the groups gnomAD compares: Non-Finnish European, 0.0092%; no homozygotes.

Submission:

PreventionGenetics, part of Exact Sciences
Classification: Likely benign for FARSA-related condition. Last evaluated: 2019-07-19. Review status: no assertion criteria provided. Collection method: clinical testing. Allele origin: germline.
Comment: This variant is classified as likely benign based on ACMG/AMP sequence variant interpretation guidelines (Richards et al. 2015 PMID: 25741868, with internal and published modifications).

NM_004461.3(FARSA):c.813T>C (p.Arg271=)

Gene: FARSA (phenylalanyl-tRNA synthetase subunit alpha; minus strand). Cytogenetic location: 19p13.13.
Variant type: single nucleotide variant.
Coding change: c.813T>C on transcript NM_004461.3 (MANE Select); coding-DNA position 813, T replaced by C.
Protein change: p.Arg271=; no amino-acid change (arginine 271 retained).
Molecular consequence: synonymous variant.
Genome position (GRCh38, 1-based): chr19:12,928,370, A>G on the plus strand (T>C on the coding strand, the complement: FARSA is on the minus strand). VCF-style: chr19-12928370-A-G. GRCh37 (hg19) VCF-style: chr19-13039184-A-G.
Identifiers: ClinVar variation 3049901 (VCV003049901.2), dbSNP rs759259970, ClinGen allele CA9235278.